The following is an entry in ClinVar:

ClinVar aggregate classification (germline): Uncertain significance (1 of 4 stars; one submission).

gnomAD v4.1: 1 of 1,613,656 alleles (0.000062%); highest among the groups gnomAD compares: East Asian, 0.0022%; no homozygotes.

Submission:

Labcorp Genetics (formerly Invitae), Labcorp
Classification: Uncertain significance. Last evaluated: 2024-08-31. Review status: criteria provided, single submitter. Criteria: Invitae Variant Classification Sherloc (09022015). Collection method: clinical testing. Allele origin: germline.
Comment: This sequence change replaces proline, which is neutral and non-polar, with alanine, which is neutral and non-polar, at codon 121 of the POMP protein (p.Pro121Ala). This variant is present in population databases (no rsID available, gnomAD 0.01%). This variant has not been reported in the literature in individuals affected with POMP-related conditions. An algorithm developed to predict the effect of missense changes on protein structure and function (PolyPhen-2) suggests that this variant is likely to be disruptive. In summary, the available evidence is currently insufficient to determine the role of this variant in disease. Therefore, it has been classified as a Variant of Uncertain Significance.

NM_015932.6(POMP):c.361C>G (p.Pro121Ala)

Gene: POMP (proteasome maturation protein; plus strand). Cytogenetic location: 13q12.3.
Variant type: single nucleotide variant.
Coding change: c.361C>G on transcript NM_015932.6 (MANE Select); coding-DNA position 361, C replaced by G.
Protein change: p.Pro121Ala; replaces proline 121 with alanine.
Molecular consequence: missense variant.
Genome position (GRCh38, 1-based): chr13:28,678,037, C>G. VCF-style: chr13-28678037-C-G. GRCh37 (hg19) VCF-style: chr13-29252174-C-G.
Other names: short protein forms P121A.
Identifiers: ClinVar variation 3662411 (VCV003662411.2).